The following is an entry in ClinVar:

ClinVar aggregate classification (germline): Uncertain significance (1 of 4 stars; one submission).

Conditions:
Epileptic encephalopathy. Identifiers: MedGen C0543888, HP:0200134.

Allele frequency attached by ClinVar (database versions not stated): gnomAD exomes 0.00001; gnomAD 0.00002; TOPMed 0.00003.

Submission:

Labcorp Genetics (formerly Invitae), Labcorp
Classification: Uncertain significance for Epileptic encephalopathy. Last evaluated: 2022-08-16. Review status: criteria provided, single submitter. Criteria: Invitae Variant Classification Sherloc (09022015). Collection method: clinical testing. Allele origin: germline.
Comment: In summary, the available evidence is currently insufficient to determine the role of this variant in disease. Therefore, it has been classified as a Variant of Uncertain Significance. Algorithms developed to predict the effect of missense changes on protein structure and function are either unavailable or do not agree on the potential impact of this missense change (SIFT: "Deleterious"; PolyPhen-2: "Possibly Damaging"; Align-GVGD: "Class C0"). ClinVar contains an entry for this variant (Variation ID: 580742). This variant has not been reported in the literature in individuals affected with FASN-related conditions. This variant is present in population databases (no rsID available, gnomAD 0.01%). This sequence change replaces methionine, which is neutral and non-polar, with valine, which is neutral and non-polar, at codon 1843 of the FASN protein (p.Met1843Val).

NM_004104.5(FASN):c.5527A>G (p.Met1843Val)

Gene: FASN (fatty acid synthase; minus strand). Cytogenetic location: 17q25.3.
Variant type: single nucleotide variant.
Coding change: c.5527A>G on transcript NM_004104.5 (MANE Select); coding-DNA position 5527, A replaced by G.
Protein change: p.Met1843Val; replaces methionine 1843 with valine.
Molecular consequence: missense variant.
Genome position (GRCh38, 1-based): chr17:82,083,240, T>C on the plus strand (A>G on the coding strand, the complement: FASN is on the minus strand). VCF-style: chr17-82083240-T-C. GRCh37 (hg19) VCF-style: chr17-80041116-T-C.
Other names: short protein forms M1843V.
Identifiers: ClinVar variation 580742 (VCV000580742.10), dbSNP rs925971986, ClinGen allele CA295127164.